The following is an entry in ClinVar:

NM_032492.4(JAGN1):c.485A>G (p.Gln162Arg)

Gene: JAGN1 (jagunal homolog 1; plus strand). Cytogenetic location: 3p25.3.
Variant type: single nucleotide variant.
Coding change: c.485A>G on transcript NM_032492.4 (MANE Select); coding-DNA position 485, A replaced by G.
Protein change: p.Gln162Arg; replaces glutamine 162 with arginine.
Molecular consequence: missense variant.
Genome position (GRCh38, 1-based): chr3:9,893,310, A>G. VCF-style: chr3-9893310-A-G. GRCh37 (hg19) VCF-style: chr3-9934994-A-G.
Other names: c.485A>G, p.Gln162Arg (LRG_1228t1); c.323A>G, p.Gln108Arg (NM_001363890.1); short protein forms Q162R, Q108R.
Identifiers: ClinVar variation 156116 (VCV000156116.3), dbSNP rs587777730, ClinGen allele CA170770.
Genomic context (GRCh38, chr3:9,893,310, plus strand): 5'-TTTCTGCCGTTTCCATCATGTACCTGGTGTTGGTGTTGGCAGTGCAAGTGCATGCCTGGC[A>G]GTTGTACTACAGCAAGAAGCTCCTAGACTCTTGGTTCACCAGCACACAGGAGAAGAAGCA-3'
Protein context (NP_115881.3, residues 152-172): LVLAVQVHAW[Gln162Arg]LYYSKKLLDS

ClinVar aggregate classification (germline): Pathogenic. Review status: criteria provided, single submitter (1 of 4 stars). 2 submissions from 2 submitters: Pathogenic (1). 1 of the submissions does not count toward it. Last evaluated 2013-01-01.

Conditions:
Severe congenital neutropenia (SCN). Identifiers: Orphanet 42738, MedGen C1853118, MONDO:0018542.
Autosomal recessive severe congenital neutropenia due to JAGN1 deficiency. Also called: Severe congenital neutropenia 6, autosomal recessive. Identifiers: Orphanet 423384, MedGen C4014954, MONDO:0014456, OMIM 616022.

Allele frequency attached by ClinVar (database versions not stated): gnomAD exomes 0.00001; ExAC 0.00001; TOPMed 0.00002 and 0.00001; gnomAD 0.00001.

Submissions (2):

Klein lab, Ludwig-Maximilians-University
Classification: Pathogenic for Severe congenital neutropenia. Last evaluated: 2013-01-01. Review status: criteria provided, single submitter. Criteria: Submitter's publication. Collection method: in vitro. Allele origin: germline. Inheritance: Autosomal recessive inheritance. Affected: yes. Observed: 2 variant alleles, 2 homozygotes.
Comment: Neutropenia patients with mutations in JAGN1 respond poorly to treatment with recombinant human G-CSF

OMIM
Classification: Pathogenic for NEUTROPENIA, SEVERE CONGENITAL, 6, AUTOSOMAL RECESSIVE. Last evaluated: 2014-09-01. Review status: no assertion criteria provided. Collection method: literature only. Allele origin: germline. Not counted in ClinVar's aggregate classification.

Literature cited by the submitters: PubMed 25129144 (cited by OMIM).